The following is an entry in ClinVar:

ClinVar aggregate classification (germline): Uncertain significance (1 of 4 stars; one submission).

Submission:

GeneDx
Classification: Uncertain significance. Last evaluated: 2024-12-12. Review status: criteria provided, single submitter. Criteria: GeneDx Variant Classification Process June 2021. Collection method: clinical testing. Allele origin: germline. Affected: yes.
Comment: In silico analysis indicates that this missense variant does not alter protein structure/function; Has not been previously published as pathogenic or benign to our knowledge

NM_001098426.2(SMARCD2):c.4T>G (p.Ser2Ala)

Gene: SMARCD2 (SWI/SNF related BAF chromatin remodeling complex subunit D2; minus strand). Cytogenetic location: 17q23.3.
Variant type: single nucleotide variant.
Coding change: c.4T>G on transcript NM_001098426.2 (MANE Select); coding-DNA position 4, T replaced by G.
Protein change: p.Ser2Ala; replaces serine 2 with alanine.
Molecular consequence: missense variant.
Genome position (GRCh38, 1-based): chr17:63,842,671, A>C on the plus strand (T>G on the coding strand, the complement: SMARCD2 is on the minus strand). VCF-style: chr17-63842671-A-C. GRCh37 (hg19) VCF-style: chr17-61920031-A-C.
Other names: short protein forms S2A.
Identifiers: ClinVar variation 3903423 (VCV003903423.1).